The following is an entry in ClinVar:

NM_018979.4(WNK1):c.*47C>G

Gene: WNK1 (WNK lysine deficient protein kinase 1; plus strand). Cytogenetic location: 12p13.33.
Variant type: single nucleotide variant.
Coding change: c.*47C>G on transcript NM_018979.4 (MANE Select); 47 bases downstream of the stop codon, C replaced by G.
Molecular consequence: 3 prime UTR variant.
Genome position (GRCh38, 1-based): chr12:908,839, C>G. VCF-style: chr12-908839-C-G. GRCh37 (hg19) VCF-style: chr12-1018005-C-G.
Other names: c.*47C>G (NM_001184985.2, NM_014823.3, NM_213655.5).
Identifiers: ClinVar variation 306666 (VCV000306666.5), dbSNP rs556130311, ClinGen allele CA6383579.

ClinVar aggregate classification (germline): Benign (1 of 4 stars; one submission).

Conditions:
Pseudohypoaldosteronism type 2C (PHA2C). Also called: Pseudohypoaldosteronism Type IIC. Identifiers: Orphanet 757, Orphanet 88940, MedGen C1840391, MONDO:0013778, OMIM 614492.

Allele frequency attached by ClinVar (database versions not stated): gnomAD below 0.00001 and 0.00027; ExAC 0.00083; 1000 Genomes Project 30x 0.00109; 1000 Genomes Project 0.00140.
gnomAD v4.1: 450 of 379,254 alleles (0.12%); highest among the groups gnomAD compares: South Asian, 0.86%; 7 homozygotes.

Submission:

Illumina Laboratory Services, Illumina
Classification: Benign for Pseudohypoaldosteronism type 2C. Last evaluated: 2018-01-12. Review status: criteria provided, single submitter. Criteria: ICSL Variant Classification Criteria 13 December 2019. Collection method: clinical testing. Allele origin: germline.
Comment: This variant was observed in the ICSL laboratory as part of a predisposition screen in an ostensibly healthy population. It had not been previously curated by ICSL or reported in the Human Gene Mutation Database (HGMD: prior to June 1st, 2018), and was therefore a candidate for classification through an automated scoring system. Utilizing variant allele frequency, disease prevalence and penetrance estimates, and inheritance mode, an automated score was calculated to assess if this variant is too frequent to cause the disease. Based on the score and internal cut-off values, a variant classified as benign is not then subjected to further curation. The score for this variant resulted in a classification of benign for this disease.